The following is an entry in ClinVar:

NM_177438.3(DICER1):c.3847A>T (p.Ile1283Phe)

Gene: DICER1 (dicer 1, ribonuclease III; minus strand). Cytogenetic location: 14q32.13.
Variant type: single nucleotide variant.
Coding change: c.3847A>T on transcript NM_177438.3 (MANE Select); coding-DNA position 3847, A replaced by T.
Protein change: p.Ile1283Phe; replaces isoleucine 1283 with phenylalanine.
Molecular consequence: missense variant. On other transcripts: non-coding transcript variant (6).
Genome position (GRCh38, 1-based): chr14:95,103,549, T>A on the plus strand (A>T on the coding strand, the complement: DICER1 is on the minus strand). VCF-style: chr14-95103549-T-A. GRCh37 (hg19) VCF-style: chr14-95569886-T-A.
Other names: c.3847A>T, p.Ile1283Phe (NM_001195573.1, NM_001271282.3, NM_001291628.2 and 13 more transcripts); c.3565A>T, p.Ile1189Phe (NM_001395686.1); c.3442A>T, p.Ile1148Phe (NM_001395687.1, NM_001395688.1, NM_001395689.1 and 2 more transcripts); c.3280A>T, p.Ile1094Phe (NM_001395691.1); c.2164A>T, p.Ile722Phe (NM_001395697.1); short protein forms I1283F, I722F, I1148F, I1094F, I1189F.
Identifiers: ClinVar variation 2586438 (VCV002586438.2), dbSNP rs548255758, ClinGen allele CA390873318.

ClinVar aggregate classification (germline): Uncertain significance (1 of 4 stars; one submission).

Conditions:
Hereditary cancer-predisposing syndrome. Also called: Hereditary neoplastic syndrome; Tumor predisposition; Hereditary Cancer Syndrome; Neoplastic Syndromes, Hereditary. Identifiers: Orphanet 140162, MedGen C0027672, MeSH D009386, MONDO:0015356.

gnomAD v4.1: 2 of 1,614,104 alleles (0.00012%); highest among the groups gnomAD compares: Non-Finnish European, 0.00017%; no homozygotes.

Submission:

Ambry Genetics
Classification: Uncertain significance for Hereditary cancer-predisposing syndrome. Last evaluated: 2023-09-10. Review status: criteria provided, single submitter. Criteria: Ambry Variant Classification Scheme 2023. Collection method: clinical testing. Allele origin: germline.
Comment: The p.I1283F variant (also known as c.3847A>T), located in coding exon 20 of the DICER1 gene, results from an A to T substitution at nucleotide position 3847. The isoleucine at codon 1283 is replaced by phenylalanine, an amino acid with highly similar properties. This amino acid position is conserved. In addition, this alteration is predicted to be tolerated by in silico analysis. Since supporting evidence is limited at this time, the clinical significance of this alteration remains unclear.